The following is an entry in ClinVar:

ClinVar aggregate classification (germline): Uncertain significance (1 of 4 stars; one submission).

Conditions:
Ataxia-telangiectasia syndrome (AT). Also called: Ataxia-telangiectasia; LOUIS-BAR SYNDROME; Ataxia-telangiectasia, complementation group D; AT, COMPLEMENTATION GROUP C; ATAXIA-TELANGIECTASIA, COMPLEMENTATION GROUP A; ATAXIA-TELANGIECTASIA, FRESNO VARIANT. Identifiers: Orphanet 100, MedGen C0004135, MONDO:0008840, OMIM 208900.

Submission:

Labcorp Genetics (formerly Invitae), Labcorp
Classification: Uncertain significance for Ataxia-telangiectasia syndrome. Last evaluated: 2021-09-18. Review status: criteria provided, single submitter. Criteria: Invitae Variant Classification Sherloc (09022015). Collection method: clinical testing. Allele origin: germline.
Comment: In summary, the available evidence is currently insufficient to determine the role of this variant in disease. Therefore, it has been classified as a Variant of Uncertain Significance. Advanced modeling of protein sequence and biophysical properties (such as structural, functional, and spatial information, amino acid conservation, physicochemical variation, residue mobility, and thermodynamic stability) performed at Invitae indicates that this missense variant is not expected to disrupt ATM protein function. This variant has not been reported in the literature in individuals affected with ATM-related conditions. This variant is not present in population databases (ExAC no frequency). This sequence change replaces tyrosine with asparagine at codon 2086 of the ATM protein (p.Tyr2086Asn). The tyrosine residue is weakly conserved and there is a large physicochemical difference between tyrosine and asparagine.

NM_000051.4(ATM):c.6256T>A (p.Tyr2086Asn)

Genes: ATM (ATM serine/threonine kinase; plus strand), C11orf65 (chromosome 11 open reading frame 65; minus strand). Cytogenetic location: 11q22.3.
Variant type: single nucleotide variant.
Coding change: c.6256T>A on transcript NM_000051.4 (MANE Select); coding-DNA position 6256, T replaced by A.
Protein change: p.Tyr2086Asn; replaces tyrosine 2086 with asparagine.
Molecular consequence: missense variant. On other transcripts: intron variant (2).
Genome position (GRCh38, 1-based): chr11:108,317,430, T>A. VCF-style: chr11-108317430-T-A. GRCh37 (hg19) VCF-style: chr11-108188157-T-A.
Other names: c.6256T>A, p.Tyr2086Asn (NM_001351834.2); c.641-8359A>T (NM_001330368.2); c.*39-8359A>T (NM_001351110.2); short protein forms Y2086N.
Identifiers: ClinVar variation 1416890 (VCV001416890.7), dbSNP rs2084781602, ClinGen allele CA382551855.